The following is an entry in ClinVar:

ClinVar aggregate classification (germline): Uncertain significance (1 of 4 stars; one submission).

Allele frequency attached by ClinVar (database versions not stated): TOPMed below 0.00001.

Submission:

Labcorp Genetics (formerly Invitae), Labcorp
Classification: Uncertain significance. Last evaluated: 2023-09-06. Review status: criteria provided, single submitter. Criteria: Invitae Variant Classification Sherloc (09022015). Collection method: clinical testing. Allele origin: germline.
Comment: In summary, the available evidence is currently insufficient to determine the role of this variant in disease. Therefore, it has been classified as a Variant of Uncertain Significance. Advanced modeling of protein sequence and biophysical properties (such as structural, functional, and spatial information, amino acid conservation, physicochemical variation, residue mobility, and thermodynamic stability) performed at Invitae indicates that this missense variant is not expected to disrupt COL9A2 protein function. This variant has not been reported in the literature in individuals affected with COL9A2-related conditions. This variant is not present in population databases (gnomAD no frequency). This sequence change replaces valine, which is neutral and non-polar, with leucine, which is neutral and non-polar, at codon 13 of the COL9A2 protein (p.Val13Leu).

NM_001852.4(COL9A2):c.37G>C (p.Val13Leu)

Gene: COL9A2 (collagen type IX alpha 2 chain; minus strand). Cytogenetic location: 1p34.2.
Variant type: single nucleotide variant.
Coding change: c.37G>C on transcript NM_001852.4 (MANE Select); coding-DNA position 37, G replaced by C.
Protein change: p.Val13Leu; replaces valine 13 with leucine.
Molecular consequence: missense variant.
Genome position (GRCh38, 1-based): chr1:40,317,161, C>G on the plus strand (G>C on the coding strand, the complement: COL9A2 is on the minus strand). VCF-style: chr1-40317161-C-G. GRCh37 (hg19) VCF-style: chr1-40782833-C-G.
Other names: short protein forms V13L.
Identifiers: ClinVar variation 2718676 (VCV002718676.3), dbSNP rs1379555889, ClinGen allele CA339860939.
Genomic context (GRCh38, chr1:40,317,161, plus strand): 5'-GCGGAGGGGCTGCGAAACTTACAATCTGCGCCAGAGCGAGCACTACCACCTGGAGGAGAA[C>G]AAGGAGGCTGCGGGGGGAGGCCGTAGCGGCGGCCATGGCTGGCGGCGAGACCAAGGGGGA-3'
Protein context (NP_001843.1, residues 3-23): AATASPRSLL[Val13Leu]LLQVVVLALA